The following is an entry in ClinVar:

NM_000516.7(GNAS):c.-4_2del (p.Met1del)

Gene: GNAS (GNAS complex locus; plus strand). Cytogenetic location: 20q13.32.
Variant type: Deletion.
Coding change: c.-4_2del on transcript NM_000516.7 (MANE Select); 4 bases upstream of the start codon through coding-DNA position 2, 6 bases deleted (CGCCAT; older notation c.-4_2delCGCCAT).
Protein change: p.Met1del; deletes methionine 1.
Molecular consequence: inframe deletion, initiator codon variant. On other transcripts: intron variant (6).
Genome position (GRCh38, 1-based): chr20:58,891,723-58,891,728, CGCCAT deleted. VCF-style (leftmost placement, unchanged base first): chr20-58891722-CCGCCAT-C. GRCh37 (hg19) VCF-style: chr20-57466777-CCGCCAT-C.
Other names: c.-4_2del, p.Met1del (NM_001077488.5, NM_001077489.4, NM_001309842.2 and 1 more transcripts); c.*43-3889_*43-3884del (NM_016592.5); c.-38-3889_-38-3884del (NM_001309861.2); c.*1-3889_*1-3884del (NM_001077490.3); c.2069-3889_2069-3884del (NM_080425.4); c.*159-3889_*159-3884del (NM_001309883.1); c.-39+2370_-39+2375del (NM_001309840.2); short protein forms M1del.
Identifiers: ClinVar variation 426629 (VCV000426629.5), dbSNP rs1085307719, ClinGen allele CA645293919.
Genomic context (GRCh38, chr20:58,891,722, plus strand): 5'-GCGTGAGGCCGCCCGCGCCCGCCGCCGCCGCAGCCCGGCCGCGCCCCGCCGCCGCCGCCG[CCGCCAT>C]GGGCTGCCTCGGGAACAGTAAGACCGAGGACCAGCGCAACGAGGAGAAGGCGCAGCGTGA-3'

ClinVar aggregate classification (germline): Pathogenic/Likely pathogenic. Review status: criteria provided, multiple submitters, no conflicts (2 of 4 stars). 2 submissions from 2 submitters: Pathogenic (1); Likely pathogenic (1). Last evaluated 2023-09-13.

Conditions:
Disorders of GNAS Inactivation. Identifiers: MedGen CN381100.

Submissions (2):

Illumina Laboratory Services, Illumina
Classification: Likely pathogenic for Disorders of GNAS inactivation. Last evaluated: 2023-09-13. Review status: criteria provided, single submitter. Criteria: ICSLVariantClassificationCriteria RUGD 01 April 2020. Collection method: clinical testing. Allele origin: unknown.
Comment: The GNAS c.-4_2del p.(Met1?) variant alters the initiator methionine amino acid and the resultant protein is described as p.Met1? because whether the loss of the methionine at codon 1 prevents all protein translation or causes abnormal protein formation from an alternate methionine is unknown. The c.-4_2del p.(Met1?) variant has been identified in two individuals with a phenotype consistent with disorders of GNAS inactivation (PMIDs: 31886927; 23884777). Pathogenic variants in exon 1 are the most commonly reported (18%); variants that impact the initiation codon have also been documented (PMID: 29072892). This variant is not observed in version 2.1.1 or version 3.1.2 of the Genome Aggregation Database. Based on the available evidence, the c.-4_2del p.(Met1?) variant is classified as likely pathogenic for disorders of GNAS inactivation.

GeneDx
Classification: Pathogenic. Last evaluated: 2022-02-17. Review status: criteria provided, single submitter. Criteria: GeneDx Variant Classification Process June 2021. Collection method: clinical testing. Allele origin: germline. Affected: yes.
Comment: Initiation codon variant in a gene for which loss-of-function is a known mechanism of disease; Not observed at significant frequency in large population cohorts (gnomAD); This variant is associated with the following publications: (PMID: 23884777, 31886927)

Literature cited by the submitters: PubMed 23884777 (cited by Illumina Laboratory Services, Illumina); PubMed 31886927 (cited by Illumina Laboratory Services, Illumina); PubMed 29072892 (cited by Illumina Laboratory Services, Illumina).